The following is an entry in ClinVar:

ClinVar aggregate classification (germline): Benign/Likely benign. Review status: criteria provided, multiple submitters, no conflicts (2 of 4 stars). 2 submissions from 2 submitters: Benign (1); Likely benign (1). Last evaluated 2026-04-01.

Allele frequency attached by ClinVar (database versions not stated): gnomAD 0.00023 and 0.00024; gnomAD exomes 0.00024 and 0.00048; TOPMed 0.00025; ESP Exome Variant Server 0.00038; ExAC 0.00042; 1000 Genomes Project 30x 0.00016; 1000 Genomes Project 0.00020.
gnomAD v4.1: 412 of 1,614,226 alleles (0.026%); highest among the groups gnomAD compares: South Asian, 0.036%; no homozygotes.

Submissions (2):

CeGaT Center for Human Genetics Tuebingen
Classification: Likely benign. Last evaluated: 2026-04-01. Review status: criteria provided, single submitter. Criteria: CeGaT Center For Human Genetics Tuebingen Variant Classification Criteria Version 2. Collection method: clinical testing. Allele origin: germline. Affected: yes. Observed: 2 variant alleles.
Comment: ATP2B2: BP4, BP7

Labcorp Genetics (formerly Invitae), Labcorp
Classification: Benign. Last evaluated: 2025-07-08. Review status: criteria provided, single submitter. Criteria: Invitae Variant Classification Sherloc (09022015). Collection method: clinical testing. Allele origin: germline.

NM_001001331.4(ATP2B2):c.2010C>T (p.Arg670=)

Gene: ATP2B2 (ATPase plasma membrane Ca2+ transporting 2; minus strand). Cytogenetic location: 3p25.3.
Variant type: single nucleotide variant.
Coding change: c.2010C>T on transcript NM_001001331.4 (MANE Select); coding-DNA position 2010, C replaced by T.
Protein change: p.Arg670=; no amino-acid change (arginine 670 retained).
Molecular consequence: synonymous variant.
Genome position (GRCh38, 1-based): chr3:10,358,817, G>A on the plus strand (C>T on the coding strand, the complement: ATP2B2 is on the minus strand). VCF-style: chr3-10358817-G-A. GRCh37 (hg19) VCF-style: chr3-10400501-G-A.
Other names: c.1875C>T, p.Arg625= (NM_001330611.3, NM_001353564.1, NM_001363862.1 and 1 more transcripts).
Identifiers: ClinVar variation 1667778 (VCV001667778.13), dbSNP rs56056138, ClinGen allele CA2253515.
Genomic context (GRCh38, chr3:10,358,817, plus strand): 5'-CTCATTGTCCCAGTCCGGCTCCGGGCTGCTGGGGAAGTCGCGGTAGGCCACGCAGATAGT[G>A]CGGAGCCCATCGCAAGCCATGGGCTCAATCACCTTCTTTACCATCTCGTCCCGGTCGCGG-3'
Protein context (NP_001001331.1, residues 660-680): VIEPMACDGL[Arg670=]TICVAYRDFP